The following is an entry in ClinVar:

ClinVar aggregate classification (germline): Uncertain significance (1 of 4 stars; one submission).

Conditions:
Inborn genetic diseases. Identifiers: MedGen C0950123, MeSH D030342.

Submission:

Ambry Genetics
Classification: Uncertain significance for Inborn genetic diseases. Last evaluated: 2024-11-25. Review status: criteria provided, single submitter. Criteria: Ambry Variant Classification Scheme 2023. Collection method: clinical testing. Allele origin: germline.
Comment: The p.V422M variant (also known as c.1264G>A), located in coding exon 12 of the DDX41 gene, results from a G to A substitution at nucleotide position 1264. The valine at codon 422 is replaced by methionine, an amino acid with highly similar properties. This amino acid position is conserved. In addition, the in silico prediction for this alteration is inconclusive. Based on the available evidence, the clinical significance of this variant remains unclear.

NM_016222.4(DDX41):c.1264G>A (p.Val422Met)

Gene: DDX41 (DEAD-box helicase 41; minus strand). Cytogenetic location: 5q35.3.
Variant type: single nucleotide variant.
Coding change: c.1264G>A on transcript NM_016222.4 (MANE Select); coding-DNA position 1264, G replaced by A.
Protein change: p.Val422Met; replaces valine 422 with methionine.
Molecular consequence: missense variant.
Genome position (GRCh38, 1-based): chr5:177,513,049, C>T on the plus strand (G>A on the coding strand, the complement: DDX41 is on the minus strand). VCF-style: chr5-177513049-C-T. GRCh37 (hg19) VCF-style: chr5-176940050-C-T.
Other names: c.886G>A, p.Val296Met (NM_001321732.2, NM_001321830.2); short protein forms V296M, V422M.
Identifiers: ClinVar variation 3500531 (VCV003500531.1).